The following is an entry in ClinVar:

NM_000352.6(ABCC8):c.4178G>A (p.Arg1393His)

Gene: ABCC8 (ATP binding cassette subfamily C member 8; minus strand). Cytogenetic location: 11p15.1.
Variant type: single nucleotide variant.
Coding change: c.4178G>A on transcript NM_000352.6 (MANE Select); coding-DNA position 4178, G replaced by A.
Protein change: p.Arg1393His; replaces arginine 1393 with histidine.
Molecular consequence: missense variant. On other transcripts: non-coding transcript variant (1).
Genome position (GRCh38, 1-based): chr11:17,395,872, C>T on the plus strand (G>A on the coding strand, the complement: ABCC8 is on the minus strand). VCF-style: chr11-17395872-C-T. GRCh37 (hg19) VCF-style: chr11-17417419-C-T.
Other names: NM_000352.6(ABCC8):c.4178G>A; p.Arg1393His; c.4181G>A, p.Arg1394His (NM_001287174.3); c.4244G>A, p.Arg1415His (NM_001351295.2); c.4178G>A, p.Arg1393His (NM_001351296.2); c.4175G>A, p.Arg1392His (NM_001351297.2); short protein forms R1393H, R1394H, R1392H, R1415H.
Identifiers: ClinVar variation 446776 (VCV000446776.21), dbSNP rs769279368, ClinGen allele CA5902547.

ClinVar aggregate classification (germline): Conflicting classifications of pathogenicity. Review status: criteria provided, conflicting classifications (1 of 4 stars). 12 submissions from 12 submitters: Pathogenic (1); Likely pathogenic (7); Uncertain significance (3). 1 of the submissions does not count toward it. Last evaluated 2026-01-16.

Conditions:
Type 2 diabetes mellitus. Also called: Type II diabetes mellitus. Identifiers: MedGen C0011860, MeSH D003924, MONDO:0005148, OMIM 125853, HP:0005978.
Hyperinsulinemic hypoglycemia, familial, 1 (HHF1). Also called: HYPERINSULINISM, FAMILIAL, WITH PANCREATIC NESIDIOBLASTOSIS; HYPOGLYCEMIA, HYPERINSULINEMIC, OF INFANCY; Persistent hyperinsulinemic hypoglycemia of infancy; Persistent Hyperinsulinemia Hypoglycemia of Infancy; NESIDIOBLASTOSIS OF PANCREAS. Identifiers: Orphanet 276575, Orphanet 276598, MedGen C2931832, MONDO:0009734, OMIM 256450.
Leucine-induced hypoglycemia (LIH). Also called: LEUCINE-SENSITIVE HYPOGLYCEMIA OF INFANCY. Identifiers: MedGen C0271714, MONDO:0009415, OMIM 240800.
Diabetes mellitus, permanent neonatal 3. Also called: ABCC8-Related Permanent Neonatal Diabetes Mellitus. Identifiers: MedGen C5394303, MONDO:0030088, OMIM 618857.
Diabetes mellitus, transient neonatal, 2 (TNDM2). Identifiers: Orphanet 99886, MedGen C1835887, MONDO:0012480, OMIM 610374. Disease mechanism: loss of function.
Hereditary hyperinsulinism.
ABCC8-related disorder.
Maturity-onset diabetes of the young (MODY). Also called: Maturity onset diabetes mellitus in young. Identifiers: Orphanet 552, MedGen C0342276, MONDO:0018911, HP:0004904.

Allele frequency attached by ClinVar (database versions not stated): gnomAD 0.00003; TOPMed 0.00003; gnomAD exomes 0.00004; ExAC 0.00009.
gnomAD v4.1: 58 of 1,587,094 alleles (0.0037%); highest among the groups gnomAD compares: Non-Finnish European, 0.004%; no homozygotes.

Submissions (12):

Natera, Inc.
Classification: Likely pathogenic for Hereditary hyperinsulinism. Last evaluated: 2026-01-16. Review status: criteria provided, single submitter. Criteria: Natera Variant Classification Schema (03/2026). Collection method: clinical testing. Allele origin: germline.
Comment: The c.4178G>A variant in ABCC8 is a missense variant predicted to cause substitution of arginine to histidine at amino acid 1393. This variant is rare in the general population with a frequency below the threshold expected for the associated phenotype(s). Functional studies show that this variant may disrupt protein function (PMID: 9648840, 11457841). A different variant at the same position has been determined to be Pathogenic or Likely Pathogenic. Computational prediction algorithms indicate this variant is likely to affect gene or protein function. Given the available evidence, this variant is classified as Likely Pathogenic.

GeneDx
Classification: Likely pathogenic. Last evaluated: 2025-10-09. Review status: criteria provided, single submitter. Criteria: GeneDx Variant Classification Process June 2021. Collection method: clinical testing. Allele origin: germline.
Comment: Reported in a patient with familial hyperinsulinism who also harbors an additional variant in the ABCC8 gene (PMID: 9618169); Published functional studies using transfected cells were not consistent in their results regarding the potential effect of this variant on channel function and protein trafficking (PMID: 14707124, 11457841, 9648840); In silico analysis supports that this missense variant has a deleterious effect on protein structure/function; Also known as p.R1394H (c.4181G>A); This variant is associated with the following publications: (PMID: 9648840, 17575084, 32041611, 11457841, 17956278, 24399968, 9618169, 23226049, 36208030, 37828432, 14707124, 39556225)

PreventionGenetics, part of Exact Sciences
Classification: Pathogenic for ABCC8-related condition. Last evaluated: 2024-12-04. Review status: criteria provided, single submitter. Criteria: ACMG Guidelines, 2015. Collection method: clinical testing. Allele origin: germline.
Comment: The ABCC8 c.4178G>A variant is predicted to result in the amino acid substitution p.Arg1393His. In the compound heterozygous state, this variant has been reported to be pathogenic for congenital hyperinsulinism due to loss of channel activity (reported as R1394H in Nestorowicz et al. 1998. PMID: 9618169; also as R1394H in Shyng et al. 1998. PMID: 9648840). This variant is reported in 0.0077% of alleles in individuals of South Asian descent in gnomAD. This variant is interpreted as pathogenic.

Fulgent Genetics
Classification: Likely pathogenic for Type 2 diabetes mellitus; Leucine-induced hypoglycemia; Hyperinsulinemic hypoglycemia, familial, 1; Diabetes mellitus, transient neonatal, 2; Diabetes mellitus, permanent neonatal 3. Last evaluated: 2024-06-22. Review status: criteria provided, single submitter. Criteria: ACMG Guidelines, 2015. Collection method: clinical testing. Allele origin: germline.

Baylor Genetics
Classification: Likely pathogenic for Type 2 diabetes mellitus. Last evaluated: 2023-12-20. Review status: criteria provided, single submitter. Criteria: ACMG Guidelines, 2015. Collection method: clinical testing. Allele origin: unknown.

Broad Center for Mendelian Genomics, Broad Institute of MIT and Harvard
Classification: Uncertain significance for Hyperinsulinemic hypoglycemia, familial, 1. Last evaluated: 2023-08-16. Review status: criteria provided, single submitter. Criteria: ACMG Guidelines, 2015. Collection method: curation. Allele origin: germline. Inheritance: Autosomal recessive inheritance.
Comment: The p.Arg1393His variant in ABCC8 has been reported in 2 individuals with hyperinsulinemic hypoglycemia (PMID: 9648840, 9618169, 32041611) and has been identified in 0.008% (2/25832) of South Asian chromosomes by the Genome Aggregation Database (gnomAD; dbSNP ID: rs769279368). Although this variant has been seen in the general population in a heterozygous state, its frequency is low enough to be consistent with a recessive carrier frequency. This variant has also been reported in ClinVar (Variation ID: 446776) and has been interpreted as likely pathogenic by Genetic Services Laboratory (University of Chicago), Natera Inc., and Athena Diagnostics Inc., and as a variant of uncertain significance by Myriad Women's Health Inc. and Counsyl. Of the 2 affected individuals, 1 was a compound heterozygote that carried a reported pathogenic variant in trans, which increases the likelihood that the p.Arg1393His variant is pathogenic (Variation ID: 9088; PMID: 9648840). In vitro functional studies provide some evidence that the p.Arg1393His variant may impact protein function (PMID: 9648840, 11457841). However, these types of assays may not accurately represent biological function. Computational prediction tools and conservation analyses suggest that this variant may impact the protein, though this information is not predictive enough to determine pathogenicity. In summary, while there is some suspicion for a pathogenic role, the clinical significance of this variant is uncertain. ACMG/AMP Criteria applied: PM3, PP3, PM2_supporting, PS3_supporting (Richards 2015).

Labcorp Genetics (formerly Invitae), Labcorp
Classification: Uncertain significance. Last evaluated: 2022-02-24. Review status: criteria provided, single submitter. Criteria: Invitae Variant Classification Sherloc (09022015). Collection method: clinical testing. Allele origin: germline.
Comment: This sequence change replaces arginine, which is basic and polar, with histidine, which is basic and polar, at codon 1393 of the ABCC8 protein (p.Arg1393His). The frequency data for this variant in the population databases is considered unreliable, as metrics indicate poor data quality at this position in the gnomAD database. This missense change has been observed in individual(s) with clinical features of autosomal recessive congenital hyperinsulinism (PMID: 9618169). This variant is also known as R1394H. ClinVar contains an entry for this variant (Variation ID: 446776). Advanced modeling of protein sequence and biophysical properties (such as structural, functional, and spatial information, amino acid conservation, physicochemical variation, residue mobility, and thermodynamic stability) performed at Invitae indicates that this missense variant is expected to disrupt ABCC8 protein function. Experimental studies are conflicting or provide insufficient evidence to determine the effect of this variant on ABCC8 function (PMID: 9648840, 11457841, 17575084). In summary, the available evidence is currently insufficient to determine the role of this variant in disease. Therefore, it has been classified as a Variant of Uncertain Significance.

Myriad Genetics, Inc.
Classification: Uncertain significance for Hyperinsulinemic hypoglycemia, familial, 1. Last evaluated: 2021-11-10. Review status: criteria provided, single submitter. Criteria: Myriad Women's Health Autosomal Recessive and X-Linked Classification Criteria (2021). Collection method: clinical testing. Allele origin: unknown.
Comment: NM_000352.3(ABCC8):c.4178G>A(R1393H) is a missense variant classified as a variant of uncertain significance in the context of familial hyperinsulinism, ABCC8-related. R1393H has been observed in cases with relevant disease (PMID: 9618169). Functional assessments of this variant are available in the literature (PMID: 9648840, 11457841). R1393H has been observed in population frequency databases (gnomAD: SAS 0.01%). In summary, there is insufficient evidence to classify NM_000352.3(ABCC8):c.4178G>A(R1393H) as pathogenic or benign. Please note: this variant was assessed in the context of healthy population screening.

Genetic Services Laboratory, University of Chicago
Classification: Likely pathogenic. Last evaluated: 2018-02-06. Review status: criteria provided, single submitter. Criteria: ACMG Guidelines, 2015. Collection method: clinical testing. Allele origin: germline. Affected: yes.

Athena Diagnostics
Classification: Likely pathogenic. Last evaluated: 2017-06-26. Review status: criteria provided, single submitter. Criteria: Athena Diagnostics Criteria. Collection method: clinical testing. Allele origin: germline.

Juno Genomics, Hangzhou Juno Genomics, Inc
Classification: Likely pathogenic for Hyperinsulinemic hypoglycemia, familial, 1. Review status: criteria provided, single submitter. Criteria: ACMG Guidelines, 2015. Collection method: clinical testing. Allele origin: germline.
Comment: Absent from controls (or at extremely low frequency if recessive) in Genome Aggregation Database.;Well-established in vitro or in vivo functional studies supportive of a damaging effect on the gene or gene product.;For recessive disorders, detected in trans with a pathogenic variant.;Patient's phenotype or family history is highly specific for a disease with a single genetic etiology.

Diabetes Institute, Department of Endocrinology and Metabolism, First Affiliated Hospital of Zhengzhou University
Classification: Pathogenic for Maturity-onset diabetes of the young type 1. Review status: no assertion criteria provided. Collection method: clinical testing. Allele origin: inherited. Affected: yes. Not counted in ClinVar's aggregate classification.

Literature cited by the submitters: PubMed 9648840 (cited by 4 submitters); PubMed 11457841 (cited by 5 submitters); PubMed 9618169 (cited by 3 submitters); PubMed 17575084 (cited by Labcorp Genetics (formerly Invitae), Labcorp).